The following is an entry in ClinVar:

ClinVar aggregate classification (germline): Uncertain significance (1 of 4 stars; one submission).

Conditions:
Cardiovascular phenotype. Identifiers: MedGen CN230736.

Allele frequency attached by ClinVar (database versions not stated): gnomAD exomes below 0.00001; TOPMed below 0.00001.
gnomAD v4.1: 2 of 1,553,880 alleles (0.00013%); highest among the groups gnomAD compares: African/African-American, 0.0027%; no homozygotes.

Submission:

Ambry Genetics
Classification: Uncertain significance for Cardiovascular phenotype. Last evaluated: 2023-11-14. Review status: criteria provided, single submitter. Criteria: Ambry Variant Classification Scheme 2023. Collection method: clinical testing. Allele origin: germline.
Comment: The p.V49G variant (also known as c.146T>G), located in coding exon 1 of the CHST14 gene, results from a T to G substitution at nucleotide position 146. The valine at codon 49 is replaced by glycine, an amino acid with dissimilar properties. This amino acid position is conserved. In addition, this alteration is predicted to be deleterious by in silico analysis. Since supporting evidence is limited at this time, the clinical significance of this alteration remains unclear.

NM_130468.4(CHST14):c.146T>G (p.Val49Gly)

Genes: CHST14 (carbohydrate sulfotransferase 14; plus strand), LOC130056851 (ATAC-STARR-seq lymphoblastoid silent region 6336; plus strand). Cytogenetic location: 15q15.1.
Variant type: single nucleotide variant.
Coding change: c.146T>G on transcript NM_130468.4 (MANE Select); coding-DNA position 146, T replaced by G.
Protein change: p.Val49Gly; replaces valine 49 with glycine.
Molecular consequence: missense variant.
Genome position (GRCh38, 1-based): chr15:40,471,359, T>G. VCF-style: chr15-40471359-T-G. GRCh37 (hg19) VCF-style: chr15-40763558-T-G.
Other names: short protein forms V49G.
Identifiers: ClinVar variation 3229033 (VCV003229033.1), dbSNP rs1397924130, ClinGen allele CA391763896.